The following is an entry in ClinVar:

NM_002755.4(MAP2K1):c.280A>G (p.Met94Val)

Gene: MAP2K1 (mitogen-activated protein kinase kinase 1; plus strand). Cytogenetic location: 15q22.31.
Variant type: single nucleotide variant.
Coding change: c.280A>G on transcript NM_002755.4 (MANE Select); coding-DNA position 280, A replaced by G.
Protein change: p.Met94Val; replaces methionine 94 with valine.
Molecular consequence: missense variant.
Genome position (GRCh38, 1-based): chr15:66,435,226, A>G. VCF-style: chr15-66435226-A-G. GRCh37 (hg19) VCF-style: chr15-66727564-A-G.
Other names: c.214A>G, p.Met72Val (NM_001411065.1); short protein forms M94V, M72V.
Identifiers: ClinVar variation 1796301 (VCV001796301.5), dbSNP rs368143400, ClinGen allele CA271640885.

ClinVar aggregate classification (germline): Uncertain significance. Review status: criteria provided, multiple submitters, no conflicts (2 of 4 stars). 2 submissions from 2 submitters: Uncertain significance (2). Last evaluated 2025-12-28.

Conditions:
Cardiovascular phenotype. Identifiers: MedGen CN230736.
RASopathy. Also called: Noonan spectrum disorder; rasopathies. Identifiers: Orphanet 536391, MedGen C5555857, MONDO:0021060.

Allele frequency attached by ClinVar (database versions not stated): ESP Exome Variant Server 0.00008; TOPMed below 0.00001; gnomAD 0.00001.
gnomAD v4.1: 5 of 1,613,402 alleles (0.00031%); highest among the groups gnomAD compares: Non-Finnish European, 0.00034%; no homozygotes.

Submissions (2):

Labcorp Genetics (formerly Invitae), Labcorp
Classification: Uncertain significance for RASopathy. Last evaluated: 2025-12-28. Review status: criteria provided, single submitter. Criteria: Invitae Variant Classification Sherloc (09022015). Collection method: clinical testing. Allele origin: germline.
Comment: This sequence change replaces methionine, which is neutral and non-polar, with valine, which is neutral and non-polar, at codon 94 of the MAP2K1 protein (p.Met94Val). This variant is not present in population databases (gnomAD no frequency). This variant has not been reported in the literature in individuals affected with MAP2K1-related conditions. ClinVar contains an entry for this variant (Variation ID: 1796301). Invitae Evidence Modeling of protein sequence and biophysical properties (such as structural, functional, and spatial information, amino acid conservation, physicochemical variation, residue mobility, and thermodynamic stability) indicates that this missense variant is expected to disrupt MAP2K1 protein function with a positive predictive value of 95%. In summary, the available evidence is currently insufficient to determine the role of this variant in disease. Therefore, it has been classified as a Variant of Uncertain Significance.

Ambry Genetics
Classification: Uncertain significance for Cardiovascular phenotype. Last evaluated: 2022-01-11. Review status: criteria provided, single submitter. Criteria: Ambry Variant Classification Scheme 2023. Collection method: clinical testing. Allele origin: germline.
Comment: The p.M94V variant (also known as c.280A>G), located in coding exon 2 of the MAP2K1 gene, results from an A to G substitution at nucleotide position 280. The methionine at codon 94 is replaced by valine, an amino acid with highly similar properties. This amino acid position is conserved. In addition, this alteration is predicted to be deleterious by in silico analysis. Since supporting evidence is limited at this time, the clinical significance of this alteration remains unclear.